The following is an entry in ClinVar:

NM_001953.5(TYMP):c.786A>G (p.Leu262=)

Gene: TYMP (thymidine phosphorylase; minus strand). Cytogenetic location: 22q13.33.
Variant type: single nucleotide variant.
Coding change: c.786A>G on transcript NM_001953.5 (MANE Select); coding-DNA position 786, A replaced by G.
Protein change: p.Leu262=; no amino-acid change (leucine 262 retained).
Molecular consequence: synonymous variant.
Genome position (GRCh38, 1-based): chr22:50,526,718, T>C on the plus strand (A>G on the coding strand, the complement: TYMP is on the minus strand). VCF-style: chr22-50526718-T-C. GRCh37 (hg19) VCF-style: chr22-50965147-T-C.
Other names: c.786A>G, p.Leu262= (NM_001113755.3, NM_001113756.3, NM_001257988.1 and 1 more transcripts).
Identifiers: ClinVar variation 682387 (VCV000682387.9), dbSNP rs775967116, ClinGen allele CA10321557.
Genomic context (GRCh38, chr22:50,526,718, plus strand): 5'-GCCCACGCAGCGACCCAGGGGCTTGTCCATGGCGGTCAGCGCTGCCGCGACCCGAAGCCC[T>C]AGGCTGGCTCCCACGCCAACCTGCGGAGAGGAGGCTCAGCGTGGACCCCCCATGGCGGGG-3'
Protein context (NP_001944.1, residues 252-272): AKTLVGVGAS[Leu262=]GLRVAAALTA

ClinVar aggregate classification (germline): Likely benign. Review status: criteria provided, multiple submitters, no conflicts (2 of 4 stars). 2 submissions from 2 submitters: Likely benign (2). Last evaluated 2023-09-26.

Allele frequency attached by ClinVar (database versions not stated): ExAC below 0.00001; gnomAD 0.00001; gnomAD exomes 0.00002 and 0.00007; TOPMed 0.00002.
gnomAD v4.1: 10 of 1,538,126 alleles (0.00065%); highest among the groups gnomAD compares: Admixed American, 0.02%; no homozygotes.

Submissions (2):

Labcorp Genetics (formerly Invitae), Labcorp
Classification: Likely benign. Last evaluated: 2023-09-26. Review status: criteria provided, single submitter. Criteria: Invitae Variant Classification Sherloc (09022015). Collection method: clinical testing. Allele origin: germline.

GeneDx
Classification: Likely benign. Last evaluated: 2018-05-10. Review status: criteria provided, single submitter. Criteria: GeneDx Variant Classification (06012015). Collection method: clinical testing. Allele origin: germline. Affected: yes.
Comment: This variant is considered likely benign or benign based on one or more of the following criteria: it is a conservative change, it occurs at a poorly conserved position in the protein, it is predicted to be benign by multiple in silico algorithms, and/or has population frequency not consistent with disease.